The following is an entry in ClinVar:

ClinVar aggregate classification (germline): Benign/Likely benign. Review status: criteria provided, multiple submitters, no conflicts (2 of 4 stars). 3 submissions from 3 submitters: Benign (1); Likely benign (2). Last evaluated 2025-11-15.

Conditions:
Hereditary cancer-predisposing syndrome. Also called: Neoplastic Syndromes, Hereditary; Hereditary Cancer Syndrome; Tumor predisposition; Hereditary neoplastic syndrome. Identifiers: Orphanet 140162, MedGen C0027672, MeSH D009386, MONDO:0015356.
Tuberous sclerosis 2 (TSC2). Identifiers: Orphanet 805, MedGen C1860707, MONDO:0013199, OMIM 613254.

Allele frequency attached by ClinVar (database versions not stated): gnomAD exomes below 0.00001; gnomAD 0.00003; TOPMed 0.00003; ESP Exome Variant Server 0.00008.
gnomAD v4.1: 11 of 1,601,050 alleles (0.00069%); highest among the groups gnomAD compares: African/African-American, 0.0093%; no homozygotes.

Submissions (3):

Labcorp Genetics (formerly Invitae), Labcorp
Classification: Likely benign for Tuberous sclerosis 2. Last evaluated: 2025-11-15. Review status: criteria provided, single submitter. Criteria: Invitae Variant Classification Sherloc (09022015). Collection method: clinical testing. Allele origin: germline.

Myriad Genetics, Inc.
Classification: Benign for Tuberous sclerosis 2. Last evaluated: 2025-06-03. Review status: criteria provided, single submitter. Criteria: Myriad Autosomal Dominant, Autosomal Recessive and X-Linked Classification Criteria (2023). Collection method: clinical testing. Allele origin: unknown.
Comment: This variant is considered benign. This variant is a silent/synonymous amino acid change and it is not expected to impact splicing.

Ambry Genetics
Classification: Likely benign for Hereditary cancer-predisposing syndrome. Last evaluated: 2020-12-10. Review status: criteria provided, single submitter. Criteria: Ambry Variant Classification Scheme 2023. Collection method: clinical testing. Allele origin: germline.

NM_000548.5(TSC2):c.4401C>T (p.Ala1467=)

Gene: TSC2 (TSC complex subunit 2; plus strand). Cytogenetic location: 16p13.3.
Variant type: single nucleotide variant.
Coding change: c.4401C>T on transcript NM_000548.5 (MANE Select); coding-DNA position 4401, C replaced by T.
Protein change: p.Ala1467=; no amino-acid change (alanine 1467 retained).
Molecular consequence: synonymous variant.
Genome position (GRCh38, 1-based): chr16:2,084,623, C>T. VCF-style: chr16-2084623-C-T. GRCh37 (hg19) VCF-style: chr16-2134624-C-T.
Other names: c.4200C>T, p.Ala1400= (NM_001077183.3); c.4332C>T, p.Ala1444= (NM_001114382.3); c.4092C>T, p.Ala1364= (NM_001318827.2); c.4056C>T, p.Ala1352= (NM_001318829.2); c.3669C>T, p.Ala1223= (NM_001318831.2); c.4233C>T, p.Ala1411= (NM_001318832.2); c.4203C>T, p.Ala1401= (NM_001363528.2); c.4269C>T, p.Ala1423= (NM_001370404.1); and 1 more.
Identifiers: ClinVar variation 799765 (VCV000799765.14), dbSNP rs370735624, ClinGen allele CA276753468.
Genomic context (GRCh38, chr16:2,084,623, plus strand): 5'-CAGCTCCCCCCGCTCGCCCAGTGGCCTCCGGCCCCGAGGTTACACCATCTCCGACTCGGC[C>T]CCATCACGCAGGGGCAAGAGAGTAGAGAGGGACGCCTTAAAGAGCAGAGCCACAGCCTCC-3'
Protein context (NP_000539.2, residues 1457-1477): RPRGYTISDS[Ala1467=]PSRRGKRVER